The following is an entry in ClinVar:

ClinVar aggregate classification (germline): Likely benign. Review status: criteria provided, multiple submitters, no conflicts (2 of 4 stars). 3 submissions from 3 submitters: Likely benign (3). Last evaluated 2026-05-11.

Conditions:
PCNT-related disorder. Also called: PCNT-related condition.

Allele frequency attached by ClinVar (database versions not stated): gnomAD exomes 0.00001; TOPMed 0.00001; gnomAD 0.00003.
gnomAD v4.1: 21 of 1,574,272 alleles (0.0013%); highest among the groups gnomAD compares: African/African-American, 0.0027%; no homozygotes.

Submissions (3):

PreventionGenetics, part of Exact Sciences
Classification: Likely benign for PCNT-related condition. Last evaluated: 2026-05-11. Review status: criteria provided, single submitter. Criteria: ACMG Guidelines, 2015. Collection method: clinical testing. Allele origin: germline.
Comment: This variant is classified as likely benign based on ACMG/AMP sequence variant interpretation guidelines (Richards et al. 2015 PMID: 25741868, with internal and published modifications).

CeGaT Center for Human Genetics Tuebingen
Classification: Likely benign. Last evaluated: 2024-01-01. Review status: criteria provided, single submitter. Criteria: CeGaT Center For Human Genetics Tuebingen Variant Classification Criteria Version 2. Collection method: clinical testing. Allele origin: germline. Affected: yes. Observed: 1 variant allele.
Comment: PCNT: BP4, BP7

Labcorp Genetics (formerly Invitae), Labcorp
Classification: Likely benign. Last evaluated: 2023-08-07. Review status: criteria provided, single submitter. Criteria: Invitae Variant Classification Sherloc (09022015). Collection method: clinical testing. Allele origin: germline.

NM_006031.6(PCNT):c.5811C>T (p.His1937=)

Gene: PCNT (pericentrin; plus strand). Cytogenetic location: 21q22.3.
Variant type: single nucleotide variant.
Coding change: c.5811C>T on transcript NM_006031.6 (MANE Select); coding-DNA position 5811, C replaced by T.
Protein change: p.His1937=; no amino-acid change (histidine 1937 retained).
Molecular consequence: synonymous variant.
Genome position (GRCh38, 1-based): chr21:46,411,884, C>T. VCF-style: chr21-46411884-C-T. GRCh37 (hg19) VCF-style: chr21-47831798-C-T.
Other names: c.5811C>T (NM_006031.5); c.5457C>T, p.His1819= (NM_001315529.2).
Identifiers: ClinVar variation 2980840 (VCV002980840.26), dbSNP rs761724369, ClinGen allele CA10080095.